The following is an entry in ClinVar:

NM_004415.4(DSP):c.5431G>T (p.Glu1811Ter)

Gene: DSP (desmoplakin; plus strand). Cytogenetic location: 6p24.3.
Variant type: single nucleotide variant.
Coding change: c.5431G>T on transcript NM_004415.4 (MANE Select); coding-DNA position 5431, G replaced by T.
Protein change: p.Glu1811Ter; replaces glutamic acid 1811 with a stop codon.
Molecular consequence: nonsense.
Genome position (GRCh38, 1-based): chr6:7,582,693, G>T. VCF-style: chr6-7582693-G-T. GRCh37 (hg19) VCF-style: chr6-7582926-G-T.
Other names: c.3634G>T, p.Glu1212Ter (NM_001008844.3); c.4102G>T, p.Glu1368Ter (NM_001319034.2); short protein forms E1368*, E1212*, E1811*.
Identifiers: ClinVar variation 1361795 (VCV001361795.8), dbSNP rs2113697854, ClinGen allele CA362688606.

ClinVar aggregate classification (germline): Pathogenic (1 of 4 stars; one submission).

Conditions:
Arrhythmogenic right ventricular dysplasia 8 (ARVD8). Also called: Arrhythmogenic Right Ventricular Dysplasia/Cardiomyopathy 8; ARRHYTHMOGENIC RIGHT VENTRICULAR DYSPLASIA, FAMILIAL, 8; ARRHYTHMOGENIC RIGHT VENTRICULAR CARDIOMYOPATHY 8. Identifiers: MedGen C1843896, MONDO:0011831, OMIM 607450.
Arrhythmogenic cardiomyopathy with wooly hair and keratoderma. Also called: Carvajal syndrome; PALMOPLANTAR KERATODERMA WITH LEFT VENTRICULAR CARDIOMYOPATHY AND WOOLLY HAIR; Dilated cardiomyopathy with woolly hair and keratoderma; Arrhythmogenic cardiomyopathy with woolly hair and keratoderma. Identifiers: Orphanet 65282, MedGen C1854063, MONDO:0011581, OMIM 605676.

Allele frequency attached by ClinVar (database versions not stated): gnomAD exomes below 0.00001.
gnomAD v4.1: 1 of 1,613,760 alleles (0.000062%); highest among the groups gnomAD compares: Non-Finnish European, 0.000085%; no homozygotes.

Submission:

Labcorp Genetics (formerly Invitae), Labcorp
Classification: Pathogenic for Arrhythmogenic cardiomyopathy with wooly hair and keratoderma; Arrhythmogenic right ventricular dysplasia 8. Last evaluated: 2021-01-24. Review status: criteria provided, single submitter. Criteria: Invitae Variant Classification Sherloc (09022015). Collection method: clinical testing. Allele origin: germline.
Comment: For these reasons, this variant has been classified as Pathogenic. This variant disrupts the C-terminus of the DSP protein. Other variant(s) that disrupt this region (p.Glu2728Glyfs*11) have been determined to be pathogenic (Invitae). This suggests that variants that disrupt this region of the protein are likely to be causative of disease. This variant has not been reported in the literature in individuals with DSP-related conditions. This variant is not present in population databases (ExAC no frequency). This sequence change creates a premature translational stop signal (p.Glu1811*) in the DSP gene. While this is not anticipated to result in nonsense mediated decay, it is expected to disrupt the last 1061 amino acid(s) of the DSP protein.